The following is an entry in ClinVar:

NM_001371928.1(AHDC1):c.4289A>G (p.Gln1430Arg)

Gene: AHDC1 (AT-hook DNA binding motif containing 1; minus strand). Cytogenetic location: 1p36.11.
Variant type: single nucleotide variant.
Coding change: c.4289A>G on transcript NM_001371928.1 (MANE Select); coding-DNA position 4289, A replaced by G.
Protein change: p.Gln1430Arg; replaces glutamine 1430 with arginine.
Molecular consequence: missense variant.
Genome position (GRCh38, 1-based): chr1:27,547,827, T>C on the plus strand (A>G on the coding strand, the complement: AHDC1 is on the minus strand). VCF-style: chr1-27547827-T-C. GRCh37 (hg19) VCF-style: chr1-27874338-T-C.
Other names: c.4289A>G, p.Gln1430Arg (NM_001029882.3); c.245A>G, p.Gln82Arg (NM_015699.1); short protein forms Q82R, Q1430R.
Identifiers: ClinVar variation 2184230 (VCV002184230.4), dbSNP rs1394609801, ClinGen allele CA339222971.

ClinVar aggregate classification (germline): Uncertain significance (1 of 4 stars; one submission).

Allele frequency attached by ClinVar (database versions not stated): gnomAD exomes 0.00001.
gnomAD v4.1: 3 of 1,550,290 alleles (0.00019%); highest among the groups gnomAD compares: Admixed American, 0.0019%; no homozygotes.

Submission:

Labcorp Genetics (formerly Invitae), Labcorp
Classification: Uncertain significance. Last evaluated: 2023-08-24. Review status: criteria provided, single submitter. Criteria: Invitae Variant Classification Sherloc (09022015). Collection method: clinical testing. Allele origin: germline.
Comment: This sequence change replaces glutamine, which is neutral and polar, with arginine, which is basic and polar, at codon 1430 of the AHDC1 protein (p.Gln1430Arg). In summary, the available evidence is currently insufficient to determine the role of this variant in disease. Therefore, it has been classified as a Variant of Uncertain Significance. An algorithm developed to predict the effect of missense changes on protein structure and function (PolyPhen-2) suggests that this variant is likely to be tolerated. ClinVar contains an entry for this variant (Variation ID: 2184230). This variant has not been reported in the literature in individuals affected with AHDC1-related conditions. The frequency data for this variant in the population databases is considered unreliable, as metrics indicate poor data quality at this position in the gnomAD database.